The following is an entry in ClinVar:

ClinVar aggregate classification (germline): Uncertain significance (1 of 4 stars; one submission).

Conditions:
Alstrom syndrome (ALMS). Identifiers: Orphanet 64, MedGen C0268425, MONDO:0008763, OMIM 203800.

Allele frequency attached by ClinVar (database versions not stated): gnomAD exomes below 0.00001.
gnomAD v4.1: 3 of 1,614,184 alleles (0.00019%); highest among the groups gnomAD compares: Non-Finnish European, 0.00025%; no homozygotes.

Submission:

Labcorp Genetics (formerly Invitae), Labcorp
Classification: Uncertain significance for Alstrom syndrome. Last evaluated: 2022-07-26. Review status: criteria provided, single submitter. Criteria: Invitae Variant Classification Sherloc (09022015). Collection method: clinical testing. Allele origin: germline.
Comment: In summary, the available evidence is currently insufficient to determine the role of this variant in disease. Therefore, it has been classified as a Variant of Uncertain Significance. ClinVar contains an entry for this variant (Variation ID: 529376). This variant has not been reported in the literature in individuals affected with ALMS1-related conditions. This variant is not present in population databases (gnomAD no frequency). This sequence change replaces valine, which is neutral and non-polar, with methionine, which is neutral and non-polar, at codon 2996 of the ALMS1 protein (p.Val2996Met).

NM_001378454.1(ALMS1):c.8983G>A (p.Val2995Met)

Gene: ALMS1 (ALMS1 centrosome and basal body associated protein; plus strand). Cytogenetic location: 2p13.1.
Variant type: single nucleotide variant.
Coding change: c.8983G>A on transcript NM_001378454.1 (MANE Select); coding-DNA position 8983, G replaced by A.
Protein change: p.Val2995Met; replaces valine 2995 with methionine.
Molecular consequence: missense variant.
Genome position (GRCh38, 1-based): chr2:73,490,942, G>A. VCF-style: chr2-73490942-G-A. GRCh37 (hg19) VCF-style: chr2-73718069-G-A.
Other names: c.8986G>A, p.Val2996Met (NM_015120.4); short protein forms V2996M, V2995M.
Identifiers: ClinVar variation 529376 (VCV000529376.5), dbSNP rs1553409810, ClinGen allele CA347272111.
Genomic context (GRCh38, chr2:73,490,942, plus strand): 5'-GGTGTAGATGACCAAATGAATAAACACCATTTTCCCCTTCCTCAAGGTCAGGATTGTGTA[G>A]TGGAAAAGAATAATCAACATAAGCCTAAATCACACATTTCTAATATAAATGTTGAAGCCA-3'
Protein context (NP_001365383.1, residues 2985-3005): FPLPQGQDCV[Val2995Met]EKNNQHKPKS